The following is an entry in ClinVar:

ClinVar aggregate classification (germline): Uncertain significance (1 of 4 stars; one submission).

Conditions:
Ehlers-Danlos syndrome, classic type, 1 (EDSCL1). Also called: EDS I; EHLERS-DANLOS SYNDROME, GRAVIS TYPE; EHLERS-DANLOS SYNDROME, SEVERE CLASSIC TYPE; Ehlers-Danlos Syndrome, Classic Type, COL5A1-Related; Ehlers-Danlos syndrome, type 1. Identifiers: MedGen C0268335, MONDO:0019567, OMIM 130000.

Submission:

Labcorp Genetics (formerly Invitae), Labcorp
Classification: Uncertain significance for Ehlers-Danlos syndrome, classic type, 1. Last evaluated: 2021-09-01. Review status: criteria provided, single submitter. Criteria: Invitae Variant Classification Sherloc (09022015). Collection method: clinical testing. Allele origin: germline.
Comment: This sequence change replaces glutamic acid with glycine at codon 1496 of the COL5A1 protein (p.Glu1496Gly). The glutamic acid residue is highly conserved and there is a moderate physicochemical difference between glutamic acid and glycine. This variant is not present in population databases (ExAC no frequency). This variant has not been reported in the literature in individuals affected with COL5A1-related conditions. Algorithms developed to predict the effect of missense changes on protein structure and function (SIFT, PolyPhen-2, Align-GVGD) all suggest that this variant is likely to be disruptive. In summary, the available evidence is currently insufficient to determine the role of this variant in disease. Therefore, it has been classified as a Variant of Uncertain Significance.

NM_000093.5(COL5A1):c.4487A>G (p.Glu1496Gly)

Genes: COL5A1 (collagen type V alpha 1 chain; plus strand), LOC101448202 (uncharacterized LOC101448202; minus strand). Cytogenetic location: 9q34.3.
Variant type: single nucleotide variant.
Coding change: c.4487A>G on transcript NM_000093.5 (MANE Select); coding-DNA position 4487, A replaced by G.
Protein change: p.Glu1496Gly; replaces glutamic acid 1496 with glycine.
Molecular consequence: missense variant. On other transcripts: non-coding transcript variant (1).
Genome position (GRCh38, 1-based): chr9:134,820,156, A>G. VCF-style: chr9-134820156-A-G. GRCh37 (hg19) VCF-style: chr9-137712002-A-G.
Other names: c.4487A>G, p.Glu1496Gly (NM_001278074.1); short protein forms E1496G.
Identifiers: ClinVar variation 656056 (VCV000656056.7), dbSNP rs1588589560, ClinGen allele CA375457800.